The following is an entry in ClinVar:

ClinVar aggregate classification (germline): Uncertain significance (1 of 4 stars; one submission).

Conditions:
Cardiovascular phenotype. Identifiers: MedGen CN230736.

Submission:

Ambry Genetics
Classification: Uncertain significance for Cardiovascular phenotype. Last evaluated: 2026-08-24. Review status: criteria provided, single submitter. Criteria: Ambry Variant Classification Scheme 2023. Collection method: clinical testing. Allele origin: germline.
Comment: The p.V173I variant (also known as c.517G>A), located in coding exon 4 of the MAP2K2 gene, results from a G to A substitution at nucleotide position 517. The valine at codon 173 is replaced by isoleucine, an amino acid with highly similar properties. This amino acid position is conserved. In addition, this alteration is predicted to be tolerated by in silico analysis. Based on the available evidence, the clinical significance of this variant remains unclear.

NM_030662.4(MAP2K2):c.517G>A (p.Val173Ile)

Gene: MAP2K2 (mitogen-activated protein kinase kinase 2; minus strand). Cytogenetic location: 19p13.3.
Variant type: single nucleotide variant.
Coding change: c.517G>A on transcript NM_030662.4 (MANE Select); coding-DNA position 517, G replaced by A.
Protein change: p.Val173Ile; replaces valine 173 with isoleucine.
Molecular consequence: missense variant. On other transcripts: 5 prime UTR variant (1).
Genome position (GRCh38, 1-based): chr19:4,102,387, C>T on the plus strand (G>A on the coding strand, the complement: MAP2K2 is on the minus strand). VCF-style: chr19-4102387-C-T. GRCh37 (hg19) VCF-style: chr19-4102385-C-T.
Other names: c.517G>A, p.Val173Ile (NM_001440688.1); c.-54G>A (NM_001440689.1); short protein forms V173I.
Identifiers: ClinVar variation 5023871 (VCV005023871.1).